The following is an entry in ClinVar:

ClinVar aggregate classification (germline): Likely benign (1 of 4 stars; one submission).

gnomAD v4.1: 9 of 1,613,108 alleles (0.00056%); highest among the groups gnomAD compares: Admixed American, 0.0017%; no homozygotes.

Submission:

Mayo Clinic Laboratories, Mayo Clinic
Classification: Likely benign. Last evaluated: 2025-07-23. Review status: criteria provided, single submitter. Criteria: ACMG Guidelines, 2015. Collection method: clinical testing. Allele origin: germline. Observed: 1 variant allele.
Comment: BP4, BP7, PM2_supporting

NM_015175.3(NBEAL2):c.4536C>T (p.Pro1512=)

Gene: NBEAL2 (neurobeachin like 2; plus strand). Cytogenetic location: 3p21.31.
Variant type: single nucleotide variant.
Coding change: c.4536C>T on transcript NM_015175.3 (MANE Select); coding-DNA position 4536, C replaced by T.
Protein change: p.Pro1512=; no amino-acid change (proline 1512 retained).
Molecular consequence: synonymous variant.
Genome position (GRCh38, 1-based): chr3:47,001,330, C>T. VCF-style: chr3-47001330-C-T. GRCh37 (hg19) VCF-style: chr3-47042820-C-T.
Other names: p.Pro1512=; c.4434C>T, p.Pro1478= (NM_001365116.2).
Identifiers: ClinVar variation 4684697 (VCV004684697.1).